The following is an entry in ClinVar:

NM_173660.5(DOK7):c.101-11G>A

Gene: DOK7 (docking protein 7; plus strand). Cytogenetic location: 4p16.3.
Variant type: single nucleotide variant.
Coding change: c.101-11G>A on transcript NM_173660.5 (MANE Select); 11 bases into the intron before coding-DNA position 101, G replaced by A.
Molecular consequence: intron variant.
Genome position (GRCh38, 1-based): chr4:3,473,395, G>A. VCF-style: chr4-3473395-G-A. GRCh37 (hg19) VCF-style: chr4-3475122-G-A.
Other names: c.101-11G>A (NM_001301071.2, NM_001164673.2); c.100+9844G>A (NM_001363811.2).
Identifiers: ClinVar variation 262863 (VCV000262863.12), dbSNP rs2344209, ClinGen allele CA2828879.

ClinVar aggregate classification (germline): Benign/Likely benign. Review status: criteria provided, multiple submitters, no conflicts (2 of 4 stars). 6 submissions from 6 submitters: Benign (5); Likely benign (1). Last evaluated 2026-03-27.

Conditions:
Fetal akinesia deformation sequence 1 (FADS1). Also called: Pena-Shokeir syndrome type I; Fetal akinesia sequence. Identifiers: Orphanet 994, MedGen C1276035, MONDO:0100101, OMIM 208150, HP:0001989.
Congenital myasthenic syndrome 10. Also called: Myasthenia, limb-girdle, familial. Identifiers: Orphanet 590, MedGen C1850792, MONDO:0009690, OMIM 254300.

Allele frequency attached by ClinVar (database versions not stated): 1000 Genomes Project 0.09704; 1000 Genomes Project 30x 0.09900; ExAC 0.12014; gnomAD 0.12872 and 0.13238; TOPMed 0.13279; ESP Exome Variant Server 0.13969.
gnomAD v4.1: 211,013 of 1,609,870 alleles (13%); highest among the groups gnomAD compares: Middle Eastern, 20%; 14,716 homozygotes.

Submissions (6):

Women's Health and Genetics/Laboratory Corporation of America, LabCorp
Classification: Benign. Last evaluated: 2026-03-27. Review status: criteria provided, single submitter. Criteria: LabCorp Variant Classification Summary - May 2015. Collection method: clinical testing. Allele origin: germline.

Labcorp Genetics (formerly Invitae), Labcorp
Classification: Benign for Congenital myasthenic syndrome 10; Fetal akinesia deformation sequence 1. Last evaluated: 2026-02-04. Review status: criteria provided, single submitter. Criteria: Invitae Variant Classification Sherloc (09022015). Collection method: clinical testing. Allele origin: germline.

Blueprint Genetics
Classification: Likely benign. Last evaluated: 2024-11-26. Review status: criteria provided, single submitter. Criteria: ACMG Guidelines, 2015. Collection method: clinical testing. Allele origin: germline.

GeneDx
Classification: Benign. Last evaluated: 2016-02-19. Review status: criteria provided, single submitter. Criteria: GeneDx Variant Classification (06012015). Collection method: clinical testing. Allele origin: germline. Affected: yes.
Comment: This variant is considered likely benign or benign based on one or more of the following criteria: it is a conservative change, it occurs at a poorly conserved position in the protein, it is predicted to be benign by multiple in silico algorithms, and/or has population frequency not consistent with disease.

Breakthrough Genomics
Classification: Benign. Review status: criteria provided, single submitter. Criteria: ACMG Guidelines, 2015. Collection method: not provided. Allele origin: germline. Inheritance: Autosomal recessive inheritance. Affected: yes.

PreventionGenetics, part of Exact Sciences
Classification: Benign. Review status: criteria provided, single submitter. Criteria: ACMG Guidelines, 2015. Collection method: clinical testing. Allele origin: germline.